The following is an entry in ClinVar:

ClinVar aggregate classification (germline): Uncertain significance (1 of 4 stars; one submission).

Submission:

Centre for Mendelian Genomics, University Medical Centre Ljubljana
Classification: Uncertain significance. Last evaluated: 2019-11-29. Review status: criteria provided, single submitter. Criteria: ACMG Guidelines, 2015. Collection method: clinical testing. Allele origin: unknown. Affected: yes.
Comment: This variant was classified as: Uncertain significance. The available evidence on this variant's pathogenicity is insufficient or conflicting. The following ACMG criteria were applied in classifying this variant: PM2.

NM_012199.5(AGO1):c.784+1G>A

Genes: AGO1 (argonaute RISC component 1; plus strand), LOC129930123 (ATAC-STARR-seq lymphoblastoid active region 740; plus strand). Cytogenetic location: 1p34.3.
Variant type: single nucleotide variant.
Coding change: c.784+1G>A on transcript NM_012199.5 (MANE Select); the canonical splice donor site of the intron after coding-DNA position 784, G replaced by A.
Molecular consequence: splice donor variant.
Genome position (GRCh38, 1-based): chr1:35,894,172, G>A. VCF-style: chr1-35894172-G-A. GRCh37 (hg19) VCF-style: chr1-36359773-G-A.
Other names: c.559+1G>A (NM_001317123.2); c.784+1G>A (NM_001317122.2).
Identifiers: ClinVar variation 931247 (VCV000931247.3), dbSNP rs1645274452, ClinGen allele CA339368806.